The following is an entry in ClinVar:

ClinVar aggregate classification (germline): Uncertain significance (1 of 4 stars; one submission).

Allele frequency attached by ClinVar (database versions not stated): TOPMed below 0.00001.
gnomAD v4.1: 1 of 1,575,590 alleles (0.000063%); highest among the groups gnomAD compares: Admixed American, 0.0019%; no homozygotes.

Submission:

Labcorp Genetics (formerly Invitae), Labcorp
Classification: Uncertain significance. Last evaluated: 2022-08-11. Review status: criteria provided, single submitter. Criteria: Invitae Variant Classification Sherloc (09022015). Collection method: clinical testing. Allele origin: germline.
Comment: Algorithms developed to predict the effect of missense changes on protein structure and function are either unavailable or do not agree on the potential impact of this missense change (SIFT: "Deleterious"; PolyPhen-2: "Possibly Damaging"; Align-GVGD: "Class C0"). In summary, the available evidence is currently insufficient to determine the role of this variant in disease. Therefore, it has been classified as a Variant of Uncertain Significance. This variant has not been reported in the literature in individuals affected with HERC1-related conditions. This variant is not present in population databases (gnomAD no frequency). This sequence change replaces isoleucine, which is neutral and non-polar, with methionine, which is neutral and non-polar, at codon 814 of the HERC1 protein (p.Ile814Met).

NM_003922.4(HERC1):c.2442T>G (p.Ile814Met)

Gene: HERC1 (HECT and RLD domain containing E3 ubiquitin protein ligase family member 1; minus strand). Cytogenetic location: 15q22.31.
Variant type: single nucleotide variant.
Coding change: c.2442T>G on transcript NM_003922.4 (MANE Select); coding-DNA position 2442, T replaced by G.
Protein change: p.Ile814Met; replaces isoleucine 814 with methionine.
Molecular consequence: missense variant.
Genome position (GRCh38, 1-based): chr15:63,746,996, A>C on the plus strand (T>G on the coding strand, the complement: HERC1 is on the minus strand). VCF-style: chr15-63746996-A-C. GRCh37 (hg19) VCF-style: chr15-64039195-A-C.
Other names: short protein forms I814M.
Identifiers: ClinVar variation 1909349 (VCV001909349.5), dbSNP rs2075078395, ClinGen allele CA392745140.
Genomic context (GRCh38, chr15:63,746,996, plus strand): 5'-GACAGTTGAGTCCATCAGTCTGAAGAGCAAATTTCGAAGTGGACCTGCCTGCCTCCCGAG[A>C]ATGCTGGTAGCTACCCCTCCCGCAAGTGCAAGAGCAAGGTGATTTGAAAGTAGCTTCAGG-3'
Protein context (NP_003913.3, residues 804-824): LALAGGVATS[Ile814Met]LGRQAGPLRN